The following is an entry in ClinVar:

NM_022489.4(INF2):c.440T>C (p.Leu147Pro)

Gene: INF2 (inverted formin 2; plus strand). Cytogenetic location: 14q32.33.
Variant type: single nucleotide variant.
Coding change: c.440T>C on transcript NM_022489.4 (MANE Select); coding-DNA position 440, T replaced by C.
Protein change: p.Leu147Pro; replaces leucine 147 with proline.
Molecular consequence: missense variant.
Genome position (GRCh38, 1-based): chr14:104,703,153, T>C. VCF-style: chr14-104703153-T-C. GRCh37 (hg19) VCF-style: chr14-105169490-T-C.
Other names: c.440T>C, p.Leu147Pro (NM_001031714.4, NM_032714.3); short protein forms L147P.
Identifiers: ClinVar variation 472867 (VCV000472867.8), dbSNP rs1555373588, ClinGen allele CA391212823.

ClinVar aggregate classification (germline): Uncertain significance (1 of 4 stars; one submission).

Conditions:
Focal segmental glomerulosclerosis 5 (FSGS5). Identifiers: Orphanet 656, MedGen C2750475, MONDO:0013191, OMIM 613237.
Charcot-Marie-Tooth disease dominant intermediate E. Also called: CHARCOT-MARIE-TOOTH NEUROPATHY WITH FOCAL SEGMENTAL GLOMERULONEPHRITIS. Identifiers: Orphanet 93114, MedGen C4302667, MONDO:0013758, OMIM 614455.

Submission:

Labcorp Genetics (formerly Invitae), Labcorp
Classification: Uncertain significance for Charcot-Marie-Tooth disease dominant intermediate E; Focal segmental glomerulosclerosis 5. Last evaluated: 2017-08-02. Review status: criteria provided, single submitter. Criteria: Invitae Variant Classification Sherloc (09022015). Collection method: clinical testing. Allele origin: germline.
Comment: In summary, the available evidence is currently insufficient to determine the role of this variant in disease. Therefore, it has been classified as a Variant of Uncertain Significance. Algorithms developed to predict the effect of missense changes on protein structure and function do not agree on the potential impact of this missense change (SIFT: "Deleterious"; PolyPhen-2: "Probably Damaging"; Align-GVGD: "Class C0"). This variant has not been reported in the literature in individuals with INF2-related disease. This variant is not present in population databases (ExAC no frequency). This sequence change replaces leucine with proline at codon 147 of the INF2 protein (p.Leu147Pro). The leucine residue is highly conserved and there is a moderate physicochemical difference between leucine and proline.